The following is an entry in ClinVar:

ClinVar aggregate classification (germline): Likely pathogenic. Review status: criteria provided, multiple submitters, no conflicts (2 of 4 stars). 4 submissions from 4 submitters: Likely pathogenic (4). Last evaluated 2025-12-19.

Conditions:
Cardiovascular phenotype. Identifiers: MedGen CN230736.
Arrhythmogenic right ventricular dysplasia 8 (ARVD8). Also called: Arrhythmogenic Right Ventricular Dysplasia/Cardiomyopathy 8; ARRHYTHMOGENIC RIGHT VENTRICULAR CARDIOMYOPATHY 8; ARRHYTHMOGENIC RIGHT VENTRICULAR DYSPLASIA, FAMILIAL, 8. Identifiers: MedGen C1843896, MONDO:0011831, OMIM 607450.
Lethal acantholytic epidermolysis bullosa (EBLA). Identifiers: Orphanet 158687, MedGen C1864826, MONDO:0012323, OMIM 609638.
Keratosis palmoplantaris striata 2. Also called: KERATODERMA, PALMOPLANTAR, STRIATE FORM II; STRIATE PALMOPLANTAR KERATODERMA II; Keratosis palmoplantaris striata II. Identifiers: MedGen C1852127, MONDO:0013034, OMIM 612908.
Cardiomyopathy, dilated, with wooly hair, keratoderma, and tooth agenesis. Also called: Erythrokeratodermia-cardiomyopathy syndrome; Cardiomyopathy, dilated, with woolly hair, keratoderma, and tooth agenesis. Identifiers: Orphanet 476096, Orphanet 65282, MedGen C4014393, MONDO:0014355, OMIM 615821.
Arrhythmogenic cardiomyopathy with wooly hair and keratoderma. Also called: Arrhythmogenic cardiomyopathy with woolly hair and keratoderma; Carvajal syndrome; PALMOPLANTAR KERATODERMA WITH LEFT VENTRICULAR CARDIOMYOPATHY AND WOOLLY HAIR; Dilated cardiomyopathy with woolly hair and keratoderma. Identifiers: Orphanet 65282, MedGen C1854063, MONDO:0011581, OMIM 605676.
Woolly hair-skin fragility syndrome (WHSF). Identifiers: Orphanet 293165, MedGen C1843292, MONDO:0957307, OMIM 620415.

Submissions (4):

Labcorp Genetics (formerly Invitae), Labcorp
Classification: Likely pathogenic for Arrhythmogenic cardiomyopathy with wooly hair and keratoderma; Arrhythmogenic right ventricular dysplasia 8. Last evaluated: 2025-12-19. Review status: criteria provided, single submitter. Criteria: Invitae Variant Classification Sherloc (09022015). Collection method: clinical testing. Allele origin: germline.
Comment: This sequence change affects a donor splice site in intron 1 of the DSP gene. It is expected to disrupt RNA splicing. Variants that disrupt the donor or acceptor splice site typically lead to a loss of protein function (PMID: 16199547), and loss-of-function variants in DSP are known to be pathogenic (PMID: 20716751, 24503780, 25227139, 30398466). This variant is not present in population databases (gnomAD no frequency). This variant has not been reported in the literature in individuals affected with DSP-related conditions. ClinVar contains an entry for this variant (Variation ID: 1066406). Algorithms developed to predict the effect of sequence changes on RNA splicing suggest that this variant may disrupt the consensus splice site. In summary, the currently available evidence indicates that the variant is pathogenic, but additional data are needed to prove that conclusively. Therefore, this variant has been classified as Likely Pathogenic.

GeneDx
Classification: Likely pathogenic. Last evaluated: 2025-04-08. Review status: criteria provided, single submitter. Criteria: GeneDx Variant Classification Process June 2021. Collection method: clinical testing. Allele origin: germline. Affected: yes.
Comment: Has not been previously published as pathogenic or benign to our knowledge; Not observed at significant frequency in large population cohorts (gnomAD); Canonical splice site variant predicted to result in a null allele in a gene for which loss-of-function is a known mechanism of disease

Ambry Genetics
Classification: Likely pathogenic for Cardiovascular phenotype. Last evaluated: 2024-02-02. Review status: criteria provided, single submitter. Criteria: Ambry Variant Classification Scheme 2023. Collection method: clinical testing. Allele origin: germline.
Comment: The c.170+1G>A intronic variant results from a G to A substitution one nucleotide after coding exon 1 of the DSP gene. This variant is considered to be rare based on population cohorts in the Genome Aggregation Database (gnomAD). This nucleotide position is highly conserved in available vertebrate species. In silico splice site analysis predicts that this alteration will weaken the native splice donor site and will result in the creation or strengthening of a novel splice donor site. Alterations that disrupt the canonical splice site are expected to cause aberrant splicing, resulting in an abnormal protein or a transcript that is subject to nonsense-mediated mRNA decay. As such, this alteration is classified as likely pathogenic.

Fulgent Genetics
Classification: Likely pathogenic for Arrhythmogenic cardiomyopathy with wooly hair and keratoderma; Arrhythmogenic right ventricular dysplasia 8; Lethal acantholytic epidermolysis bullosa; Keratosis palmoplantaris striata 2; Cardiomyopathy, dilated, with wooly hair, keratoderma, and tooth agenesis. Last evaluated: 2021-12-06. Review status: criteria provided, single submitter. Criteria: ACMG Guidelines, 2015. Collection method: clinical testing. Allele origin: unknown.

Literature cited by the submitters: PubMed 16199547 (cited by Labcorp Genetics (formerly Invitae), Labcorp); PubMed 20716751 (cited by Labcorp Genetics (formerly Invitae), Labcorp); PubMed 24503780 (cited by Labcorp Genetics (formerly Invitae), Labcorp); PubMed 25227139 (cited by Labcorp Genetics (formerly Invitae), Labcorp); PubMed 30398466 (cited by Labcorp Genetics (formerly Invitae), Labcorp).

NM_004415.4(DSP):c.170+1G>A

Genes: DSP-AS1 (DSP antisense RNA 1; minus strand), DSP (desmoplakin; plus strand). Cytogenetic location: 6p24.3.
Variant type: single nucleotide variant.
Coding change: c.170+1G>A on transcript NM_004415.4 (MANE Select); the canonical splice donor site of the intron after coding-DNA position 170, G replaced by A.
Molecular consequence: splice donor variant.
Genome position (GRCh38, 1-based): chr6:7,542,086, G>A. VCF-style: chr6-7542086-G-A. GRCh37 (hg19) VCF-style: chr6-7542319-G-A.
Other names: c.170+1G>A (NM_004415.2, NM_001319034.2, NM_001008844.3 and 1 more transcripts).
Identifiers: ClinVar variation 1066406 (VCV001066406.12), dbSNP rs1309931610, ClinGen allele CA362676072.